The following is an entry in ClinVar:

ClinVar aggregate classification (germline): Uncertain significance. Review status: criteria provided, multiple submitters, no conflicts (2 of 4 stars). 6 submissions from 6 submitters: Uncertain significance (5). 1 of the submissions does not count toward it. Last evaluated 2025-04-21.

Conditions:
Prostate cancer. Also called: Malignant tumor of prostate. Identifiers: Orphanet 1331, MedGen C0376358, MONDO:0008315, HP:0012125.
Familial cancer of breast. Also called: BREAST CANCER, FAMILIAL; Hereditary breast cancer; hereditary breast carcinoma. Identifiers: Orphanet 227535, MedGen C0346153, MONDO:0016419, OMIM 114480. Disease mechanism: loss of function.
Blepharocheilodontic syndrome 1 (BCDS1). Identifiers: Orphanet 1997, MedGen C4551988, MONDO:0054740, OMIM 119580.
Hereditary diffuse gastric adenocarcinoma (HDGC). Also called: DIFFUSE GASTRIC AND LOBULAR BREAST CANCER SYNDROME. Identifiers: Orphanet 26106, MedGen C1708349, MONDO:0007648, OMIM 137215.
Hereditary cancer-predisposing syndrome. Also called: Hereditary Cancer Syndrome; Hereditary neoplastic syndrome; Neoplastic Syndromes, Hereditary; Tumor predisposition. Identifiers: Orphanet 140162, MedGen C0027672, MeSH D009386, MONDO:0015356.
CDH1-related disorder. Also called: CDH1-related condition.

Allele frequency attached by ClinVar (database versions not stated): gnomAD 0.00001; TOPMed 0.00001.
gnomAD v4.1: 2 of 1,613,990 alleles (0.00012%); highest among the groups gnomAD compares: African/African-American, 0.0027%; no homozygotes.

Submissions (6):

Ambry Genetics
Classification: Uncertain significance for Hereditary cancer-predisposing syndrome. Last evaluated: 2025-04-21. Review status: criteria provided, single submitter. Criteria: Ambry Variant Classification Scheme 2023. Collection method: clinical testing. Allele origin: germline.
Comment: The p.R868S variant (also known as c.2602C>A), located in coding exon 16 of the CDH1 gene, results from a C to A substitution at nucleotide position 2602. The arginine at codon 868 is replaced by serine, an amino acid with dissimilar properties. This alteration has been reported in an individual affected with colorectal cancer (DeRycke MS et al. Mol Genet Genomic Med, 2017 Sep;5:553-569). This amino acid position is highly conserved in available vertebrate species. In addition, this alteration is predicted to be deleterious by in silico analysis. Based on the available evidence, the clinical significance of this variant remains unclear.

Labcorp Genetics (formerly Invitae), Labcorp
Classification: Uncertain significance for Hereditary diffuse gastric adenocarcinoma. Last evaluated: 2024-06-10. Review status: criteria provided, single submitter. Criteria: Invitae Variant Classification Sherloc (09022015). Collection method: clinical testing. Allele origin: germline.
Comment: This sequence change replaces arginine, which is basic and polar, with serine, which is neutral and polar, at codon 868 of the CDH1 protein (p.Arg868Ser). This variant is present in population databases (no rsID available, gnomAD 0.01%). This variant has not been reported in the literature in individuals affected with CDH1-related conditions. ClinVar contains an entry for this variant (Variation ID: 479500). An algorithm developed to predict the effect of missense changes on protein structure and function (PolyPhen-2) suggests that this variant is likely to be disruptive. In summary, the available evidence is currently insufficient to determine the role of this variant in disease. Therefore, it has been classified as a Variant of Uncertain Significance.

Baylor Genetics
Classification: Uncertain significance for Familial cancer of breast. Last evaluated: 2024-02-29. Review status: criteria provided, single submitter. Criteria: ACMG Guidelines, 2015. Collection method: clinical testing. Allele origin: unknown.

Diagnostics Services (NGS), CSIR - Centre For Cellular And Molecular Biology
Classification: Uncertain significance for Blepharocheilodontic syndrome 1; Familial cancer of breast; Hereditary diffuse gastric adenocarcinoma; Familial prostate cancer. Last evaluated: 2021-10-12. Review status: criteria provided, single submitter. Criteria: ACMG Guidelines, 2015. Collection method: clinical testing. Allele origin: unknown. Inheritance: Autosomal dominant inheritance. Affected: yes. Observed: 1 variant allele, 1 heterozygote.
Comment: The c.2602C>A variant is not present in publicly available population databases like 1000 Genomes, Exome Variant Server (EVS), Exome Aggregation Consortium (ExAC) and Genome Aggregation Database (gnomAD). The variant is not present in Indian Exome Database and in our in-house exome database. The variant was earlier reported to ClinVar (Accession: VCV000220695.10) several times as uncertain significance in association with hereditary cancer predisposing syndrome. CDH1 Arg868Cys occurs at a position that is conserved across species and there is a large physicochemical difference between arginine and cysteine. In-silico pathogenicity prediction programs like SIFT, Polyphen-2, MutationTaster2, CADD etc. predicted this variant to be likely disease causing as it may probably damage the protein structure and function. Varsome predicted this variant as VUS with minor pathogenic evidence but these predictions have not been confirmed by published functional studies and it's clinical significance is uncertain.

Color Diagnostics, LLC DBA Color Health
Classification: Uncertain significance for Hereditary cancer-predisposing syndrome. Last evaluated: 2021-09-20. Review status: criteria provided, single submitter. Criteria: ACMG Guidelines, 2015. Collection method: clinical testing. Allele origin: germline.
Comment: This missense variant replaces arginine with serine at codon 868 of the CDH1 protein. To our knowledge, functional studies have not been reported for this variant. This variant has not been reported in individuals affected with hereditary cancer in the literature. This variant has been identified in 1/31396 chromosomes in the general population by the Genome Aggregation Database (gnomAD). The available evidence is insufficient to determine the role of this variant in disease conclusively. Therefore, this variant is classified as a Variant of Uncertain Significance.

PreventionGenetics, part of Exact Sciences
Classification: Uncertain significance for CDH1-related condition. Last evaluated: 2024-03-23. Review status: no assertion criteria provided. Collection method: clinical testing. Allele origin: germline. Not counted in ClinVar's aggregate classification.
Comment: The CDH1 c.2602C>A variant is predicted to result in the amino acid substitution p.Arg868Ser. This variant was identified in a screen of individuals with colorectal cancer, but was classified as a variant of uncertain significance (DeRycke MS et al 2017. PubMed ID: 28944238). This variant is reported in 0.011% of alleles in individuals of African descent in gnomAD, and it classified as uncertain in ClinVar. At this time, the clinical significance of this variant is uncertain due to the absence of conclusive functional and genetic evidence.

Literature cited by the submitters: PubMed 28944238 (cited by Ambry Genetics).

NM_004360.5(CDH1):c.2602C>A (p.Arg868Ser)

Gene: CDH1 (cadherin 1; plus strand). Cytogenetic location: 16q22.1.
Variant type: single nucleotide variant.
Coding change: c.2602C>A on transcript NM_004360.5 (MANE Select); coding-DNA position 2602, C replaced by A.
Protein change: p.Arg868Ser; replaces arginine 868 with serine.
Molecular consequence: missense variant.
Genome position (GRCh38, 1-based): chr16:68,833,452, C>A. VCF-style: chr16-68833452-C-A. GRCh37 (hg19) VCF-style: chr16-68867355-C-A.
Other names: c.2602C>A (LRG_301t1); c.2419C>A, p.Arg807Ser (NM_001317184.2); c.1054C>A, p.Arg352Ser (NM_001317185.2); c.637C>A, p.Arg213Ser (NM_001317186.2); short protein forms R868S, R352S, R807S, R213S.
Identifiers: ClinVar variation 479500 (VCV000479500.27), dbSNP rs864622630, ClinGen allele CA396472659.
Genomic context (GRCh38, chr16:68,833,452, plus strand): 5'-CTGAACTCCTCAGAGTCAGACAAAGACCAGGACTATGACTACTTGAACGAATGGGGCAAT[C>A]GCTTCAAGAAGCTGGCTGACATGTACGGAGGCGGCGAGGACGACTAGGGGACTCGAGAGA-3'
Protein context (NP_004351.1, residues 858-878): DYDYLNEWGN[Arg868Ser]FKKLADMYGG